The following is an entry in ClinVar:

NM_006306.4(SMC1A):c.*931A>G

Gene: SMC1A (structural maintenance of chromosomes 1A; minus strand). Cytogenetic location: Xp11.22.
Variant type: single nucleotide variant.
Coding change: c.*931A>G on transcript NM_006306.4 (MANE Select); 931 bases downstream of the stop codon, A replaced by G.
Molecular consequence: 3 prime UTR variant.
Genome position (GRCh38, 1-based): chrX:53,379,172, T>C on the plus strand (A>G on the coding strand, the complement: SMC1A is on the minus strand). VCF-style: chrX-53379172-T-C. GRCh37 (hg19) VCF-style: chrX-53406093-T-C.
Other names: c.*931A>G (NM_001281463.1).
Identifiers: ClinVar variation 913856 (VCV000913856.4), dbSNP rs782237045, ClinGen allele CA329906007.

ClinVar aggregate classification (germline): Benign (1 of 4 stars; one submission).

Conditions:
Congenital muscular hypertrophy-cerebral syndrome (CDLS2). Also called: SMC1A-Related Cornelia de Lange Syndrome; Cornelia de Lange syndrome 2. Identifiers: Orphanet 199, MedGen C1802395, MONDO:0010370, OMIM 300590.

Allele frequency attached by ClinVar (database versions not stated): gnomAD 0.00001 and 0.00016; TOPMed 0.00002; 1000 Genomes Project 30x 0.00208; 1000 Genomes Project 0.00238.

Submission:

Illumina Laboratory Services, Illumina
Classification: Benign for Congenital muscular hypertrophy-cerebral syndrome. Last evaluated: 2018-01-13. Review status: criteria provided, single submitter. Criteria: ICSL Variant Classification Criteria 13 December 2019. Collection method: clinical testing. Allele origin: germline.
Comment: This variant was observed in the ICSL laboratory as part of a predisposition screen in an ostensibly healthy population. It had not been previously curated by ICSL or reported in the Human Gene Mutation Database (HGMD: prior to June 1st, 2018), and was therefore a candidate for classification through an automated scoring system. Utilizing variant allele frequency, disease prevalence and penetrance estimates, and inheritance mode, an automated score was calculated to assess if this variant is too frequent to cause the disease. Based on the score and internal cut-off values, a variant classified as benign is not then subjected to further curation. The score for this variant resulted in a classification of benign for this disease.